The following is an entry in ClinVar:

ClinVar aggregate classification (germline): Uncertain significance (1 of 4 stars; one submission).

Submission:

GeneDx
Classification: Uncertain significance. Last evaluated: 2023-05-26. Review status: criteria provided, single submitter. Criteria: GeneDx Variant Classification Process June 2021. Collection method: clinical testing. Allele origin: germline. Affected: yes.
Comment: Not observed at significant frequency in large population cohorts (gnomAD); In silico analysis supports that this missense variant has a deleterious effect on protein structure/function; Has not been previously published as pathogenic or benign to our knowledge

NM_002471.4(MYH6):c.188C>G (p.Thr63Ser)

Genes: MYH6 (myosin heavy chain 6; minus strand), LOC114827851 (VISTA enhancer hs2155; plus strand). Cytogenetic location: 14q11.2.
Variant type: single nucleotide variant.
Coding change: c.188C>G on transcript NM_002471.4 (MANE Select); coding-DNA position 188, C replaced by G.
Protein change: p.Thr63Ser; replaces threonine 63 with serine.
Molecular consequence: missense variant.
Genome position (GRCh38, 1-based): chr14:23,407,036, G>C on the plus strand (C>G on the coding strand, the complement: MYH6 is on the minus strand). VCF-style: chr14-23407036-G-C. GRCh37 (hg19) VCF-style: chr14-23876245-G-C.
Other names: short protein forms T63S.
Identifiers: ClinVar variation 3362220 (VCV003362220.1).